The following is an entry in ClinVar:

NM_006393.3(NEBL):c.369+5G>A

Gene: NEBL (nebulette; minus strand). Cytogenetic location: 10p12.31.
Variant type: single nucleotide variant.
Coding change: c.369+5G>A on transcript NM_006393.3 (MANE Select); 5 bases into the intron after coding-DNA position 369, G replaced by A.
Molecular consequence: intron variant.
Genome position (GRCh38, 1-based): chr10:20,888,092, C>T on the plus strand (G>A on the coding strand, the complement: NEBL is on the minus strand). VCF-style: chr10-20888092-C-T. GRCh37 (hg19) VCF-style: chr10-21177021-C-T.
Other names: c.249+73580G>A (NM_001377326.1, NM_001377327.1, NM_001377328.1); c.357+73580G>A (NM_213569.2, NM_001173484.2, NM_001377322.1); c.300+73580G>A (NM_001377324.1); c.291+73580G>A (NM_001377325.1); c.309+73580G>A (NM_001377323.1).
Identifiers: ClinVar variation 178100 (VCV000178100.19), dbSNP rs200249470, ClinGen allele CA181402.

ClinVar aggregate classification (germline): Conflicting classifications of pathogenicity. Review status: criteria provided, conflicting classifications (1 of 4 stars). 4 submissions from 4 submitters: Uncertain significance (1); Benign (1); Likely benign (2). Last evaluated 2026-06-26.

Conditions:
Primary dilated cardiomyopathy (DCM). Also called: Dilated Cardiomyopathy. Identifiers: Orphanet 217604, MedGen C0007193, MeSH D002311, MONDO:0005021, HP:0001644. Inheritance: Various modes of inheritance.

Allele frequency attached by ClinVar (database versions not stated): gnomAD 0.00019; TOPMed 0.00020; gnomAD exomes 0.00018 and 0.00013; ExAC 0.00020; ESP Exome Variant Server 0.00038.

Submissions (4):

Women's Health and Genetics/Laboratory Corporation of America, LabCorp
Classification: Benign. Last evaluated: 2026-06-26. Review status: criteria provided, single submitter. Criteria: LabCorp Variant Classification Summary - May 2015. Collection method: clinical testing. Allele origin: germline.

Labcorp Genetics (formerly Invitae), Labcorp
Classification: Likely benign for Primary dilated cardiomyopathy. Last evaluated: 2025-12-27. Review status: criteria provided, single submitter. Criteria: Invitae Variant Classification Sherloc (09022015). Collection method: clinical testing. Allele origin: germline.

GeneDx
Classification: Likely benign. Last evaluated: 2021-08-11. Review status: criteria provided, single submitter. Criteria: GeneDx Variant Classification Process June 2021. Collection method: clinical testing. Allele origin: germline. Affected: yes.

Laboratory for Molecular Medicine, Mass General Brigham Personalized Medicine
Classification: Uncertain significance. Last evaluated: 2014-07-03. Review status: criteria provided, single submitter. Criteria: LMM Criteria. Collection method: clinical testing. Allele origin: germline. Observed: 1 variant allele.
Comment: The 369+5G>A variant in NEBL has not been previously reported in individuals wit h cardiomyopathy, but has been identified in 4/8600 of European American chromos omes by the NHLBI Exome Sequencing Project (d bSNP rs200249470). This variant is located in the 5' splice region. Computationa l tools suggest an impact to splicing, but this information is not predictive en ough to determine pathogenicity. In summary, the clinical significance of the 36 9+5G>A variant is uncertain.